The following is an entry in ClinVar:

NM_022095.4(ZNF335):c.2873A>G (p.Lys958Arg)

Gene: ZNF335 (zinc finger protein 335; minus strand). Cytogenetic location: 20q13.12.
Variant type: single nucleotide variant.
Coding change: c.2873A>G on transcript NM_022095.4 (MANE Select); coding-DNA position 2873, A replaced by G.
Protein change: p.Lys958Arg; replaces lysine 958 with arginine.
Molecular consequence: missense variant.
Genome position (GRCh38, 1-based): chr20:45,952,463, T>C on the plus strand (A>G on the coding strand, the complement: ZNF335 is on the minus strand). VCF-style: chr20-45952463-T-C. GRCh37 (hg19) VCF-style: chr20-44581102-T-C.
Other names: short protein forms K958R.
Identifiers: ClinVar variation 2000395 (VCV002000395.4), dbSNP rs756096153, ClinGen allele CA9885217.

ClinVar aggregate classification (germline): Uncertain significance (1 of 4 stars; one submission).

Allele frequency attached by ClinVar (database versions not stated): gnomAD exomes below 0.00001; ExAC 0.00001.
gnomAD v4.1: 1 of 1,562,660 alleles (0.000064%); highest among the groups gnomAD compares: Admixed American, 0.0018%; no homozygotes.

Submission:

Labcorp Genetics (formerly Invitae), Labcorp
Classification: Uncertain significance. Last evaluated: 2022-06-03. Review status: criteria provided, single submitter. Criteria: Invitae Variant Classification Sherloc (09022015). Collection method: clinical testing. Allele origin: germline.
Comment: This sequence change replaces lysine, which is basic and polar, with arginine, which is basic and polar, at codon 958 of the ZNF335 protein (p.Lys958Arg). In summary, the available evidence is currently insufficient to determine the role of this variant in disease. Therefore, it has been classified as a Variant of Uncertain Significance. Algorithms developed to predict the effect of missense changes on protein structure and function are either unavailable or do not agree on the potential impact of this missense change (SIFT: "Deleterious"; PolyPhen-2: "Benign"; Align-GVGD: "Class C0"). This variant has not been reported in the literature in individuals affected with ZNF335-related conditions. This variant is not present in population databases (gnomAD no frequency).